The following is an entry in ClinVar:

ClinVar aggregate classification (germline): Pathogenic (1 of 4 stars; one submission).

Conditions:
Autosomal recessive congenital ichthyosis 1 (LI1). Also called: COLLODION FETUS; DESQUAMATION OF NEWBORN; ICHTHYOSIS CONGENITA; ICHTHYOSIS CONGENITA II; LAMELLAR EXFOLIATION OF NEWBORN; ICHTHYOSIS, CONGENITAL, AUTOSOMAL RECESSIVE 1, WITH BATHING SUIT DISTRIBUTION. Identifiers: MedGen C4551630, MONDO:0009441, OMIM 242300.

gnomAD v4.1: 1 of 1,614,216 alleles (0.000062%); highest among the groups gnomAD compares: East Asian, 0.0022%; no homozygotes.

Submission:

Myriad Genetics, Inc.
Classification: Pathogenic for Autosomal recessive congenital ichthyosis 1. Last evaluated: 2024-11-20. Review status: criteria provided, single submitter. Criteria: Myriad Autosomal Dominant, Autosomal Recessive and X-Linked Classification Criteria (2023). Collection method: clinical testing. Allele origin: unknown.
Comment: NM_000359.2(TGM1):c.750G>A(W250*) is expected to be pathogenic in the context of TGM1-related autosomal recessive congenital ichthyosis. This variant is predicted to lead to an abnormal or absent protein product due to the creation of a premature termination codon in TGM1, a gene where loss-of-function variants are known to be pathogenic. Please note: this variant was assessed in the context of healthy population screening.

NM_000359.3(TGM1):c.750G>A (p.Trp250Ter)

Gene: TGM1 (transglutaminase 1; minus strand). Cytogenetic location: 14q12.
Variant type: single nucleotide variant.
Coding change: c.750G>A on transcript NM_000359.3 (MANE Select); coding-DNA position 750, G replaced by A.
Protein change: p.Trp250Ter; replaces tryptophan 250 with a stop codon.
Molecular consequence: nonsense.
Genome position (GRCh38, 1-based): chr14:24,260,457, C>T on the plus strand (G>A on the coding strand, the complement: TGM1 is on the minus strand). VCF-style: chr14-24260457-C-T. GRCh37 (hg19) VCF-style: chr14-24729663-C-T.
Other names: short protein forms W250*.
Identifiers: ClinVar variation 5013777 (VCV005013777.1).